The following is an entry in ClinVar:

NM_194248.3(OTOF):c.748C>T (p.Arg250Trp)

Gene: OTOF (otoferlin; minus strand). Cytogenetic location: 2p23.3.
Variant type: single nucleotide variant.
Coding change: c.748C>T on transcript NM_194248.3 (MANE Select); coding-DNA position 748, C replaced by T.
Protein change: p.Arg250Trp; replaces arginine 250 with tryptophan.
Molecular consequence: missense variant.
Genome position (GRCh38, 1-based): chr2:26,501,771, G>A on the plus strand (C>T on the coding strand, the complement: OTOF is on the minus strand). VCF-style: chr2-26501771-G-A. GRCh37 (hg19) VCF-style: chr2-26724639-G-A.
Other names: c.748C>T, p.Arg250Trp (NM_001287489.2); short protein forms R250W.
Identifiers: ClinVar variation 178514 (VCV000178514.16), dbSNP rs373680242, ClinGen allele CA182470.

ClinVar aggregate classification (germline): Conflicting classifications of pathogenicity. Review status: criteria provided, conflicting classifications (1 of 4 stars). 4 submissions from 4 submitters: Uncertain significance (3); Likely benign (1). Last evaluated 2026-08-14.

Conditions:
Inborn genetic diseases. Identifiers: MedGen C0950123, MeSH D030342.

Allele frequency attached by ClinVar (database versions not stated): gnomAD exomes 0.00011; ExAC 0.00012; gnomAD 0.00031 and 0.00036; ESP Exome Variant Server 0.00023; TOPMed 0.00049; 1000 Genomes Project 0.00020; 1000 Genomes Project 30x 0.00031.

Submissions (4):

GeneDx
Classification: Uncertain significance. Last evaluated: 2026-08-14. Review status: criteria provided, single submitter. Criteria: GeneDx Variant Classification Process June 2021. Collection method: clinical testing. Allele origin: germline.
Comment: In silico analysis supports that this missense variant has a deleterious effect on protein structure/function; Has not been previously published as pathogenic or benign to our knowledge

Labcorp Genetics (formerly Invitae), Labcorp
Classification: Likely benign. Last evaluated: 2026-01-24. Review status: criteria provided, single submitter. Criteria: Invitae Variant Classification Sherloc (09022015). Collection method: clinical testing. Allele origin: germline.

Ambry Genetics
Classification: Uncertain significance for Inborn genetic diseases. Last evaluated: 2025-11-13. Review status: criteria provided, single submitter. Criteria: Ambry Variant Classification Scheme 2023. Collection method: clinical testing. Allele origin: germline.

Laboratory for Molecular Medicine, Mass General Brigham Personalized Medicine
Classification: Uncertain significance. Last evaluated: 2014-07-16. Review status: criteria provided, single submitter. Criteria: LMM Criteria. Collection method: clinical testing. Allele origin: germline. Observed: 1 variant allele.
Comment: The Arg250Trp variant in OTOF has not been previously reported in individuals wi th hearing loss, but was identified in 0.07% (3/4406) of African American chromo somes by the NHLBI Exome Sequencing Project (dbSNP rs373680242). Computational prediction tools and conservation analyses sug gest that the Arg250Trp variant may impact the protein, though this information is not predictive enough to determine pathogenicity. In summary, the clinical si gnificance of the Arg250Trp variant is uncertain.